The following is an entry in ClinVar:

ClinVar aggregate classification (germline): Uncertain significance (1 of 4 stars; one submission).

Conditions:
Hereditary cancer-predisposing syndrome. Also called: Hereditary Cancer Syndrome; Hereditary neoplastic syndrome; Neoplastic Syndromes, Hereditary; Tumor predisposition. Identifiers: Orphanet 140162, MedGen C0027672, MeSH D009386, MONDO:0015356.

Submission:

Ambry Genetics
Classification: Uncertain significance for Hereditary cancer-predisposing syndrome. Last evaluated: 2022-04-06. Review status: criteria provided, single submitter. Criteria: Ambry Variant Classification Scheme 2023. Collection method: clinical testing. Allele origin: germline.
Comment: The p.E204G variant (also known as c.611A>G), located in coding exon 7 of the RB1 gene, results from an A to G substitution at nucleotide position 611. The glutamic acid at codon 204 is replaced by glycine, an amino acid with similar properties. This amino acid position is conserved. In addition, this alteration is predicted to be tolerated by in silico analysis. Since supporting evidence is limited at this time, the clinical significance of this alteration remains unclear.

NM_000321.3(RB1):c.611A>G (p.Glu204Gly)

Gene: RB1 (RB transcriptional corepressor 1; plus strand). Cytogenetic location: 13q14.2.
Variant type: single nucleotide variant.
Coding change: c.611A>G on transcript NM_000321.3 (MANE Select); coding-DNA position 611, A replaced by G.
Protein change: p.Glu204Gly; replaces glutamic acid 204 with glycine.
Molecular consequence: missense variant.
Genome position (GRCh38, 1-based): chr13:48,360,020, A>G. VCF-style: chr13-48360020-A-G. GRCh37 (hg19) VCF-style: chr13-48934156-A-G.
Other names: c.611A>G, p.Glu204Gly (NM_001407165.1, NM_001407166.1); short protein forms E204G.
Identifiers: ClinVar variation 1751710 (VCV001751710.2), dbSNP rs1446210103, ClinGen allele CA388158095.
Genomic context (GRCh38, chr13:48,360,020, plus strand): 5'-TCTCATACAAAGATCTGAATCTCTAACTTTCTTTAAAAATGTACATTTTTTTTTCAGGGG[A>G]AGTATTACAAATGGAAGATGATCTGGTGATTTCATTTCAGTTAATGCTATGTGTCCTTGA-3'
Protein context (NP_000312.2, residues 194-214): SWITFLLAKG[Glu204Gly]VLQMEDDLVI